The following is an entry in ClinVar:

NM_001165963.4(SCN1A):c.4412C>A (p.Ser1471Tyr)

Genes: SCN1A (sodium voltage-gated channel alpha subunit 1; minus strand), LOC102724058 (uncharacterized LOC102724058; plus strand). Cytogenetic location: 2q24.3.
Variant type: single nucleotide variant.
Coding change: c.4412C>A on transcript NM_001165963.4 (MANE Select); coding-DNA position 4412, C replaced by A.
Protein change: p.Ser1471Tyr; replaces serine 1471 with tyrosine.
Molecular consequence: missense variant. On other transcripts: non-coding transcript variant (1).
Genome position (GRCh38, 1-based): chr2:165,998,102, G>T on the plus strand (C>A on the coding strand, the complement: SCN1A is on the minus strand). VCF-style: chr2-165998102-G-T. GRCh37 (hg19) VCF-style: chr2-166854612-G-T.
Other names: c.4328C>A, p.Ser1443Tyr (NM_001165964.3, NM_001353957.2, NM_001353958.2); c.4412C>A, p.Ser1471Tyr (NM_001202435.3, NM_001353948.2); c.4379C>A, p.Ser1460Tyr (NM_001353949.2, NM_001353950.2, NM_001353951.2 and 2 more transcripts); c.4376C>A, p.Ser1459Tyr (NM_001353954.2, NM_001353955.2); c.4325C>A, p.Ser1442Tyr (NM_001353960.2); c.1970C>A, p.Ser657Tyr (NM_001353961.2); short protein forms S1460Y, S1471Y, S1443Y, S1442Y, S1459Y, S657Y.
Identifiers: ClinVar variation 418709 (VCV000418709.3), dbSNP rs794726809, ClinGen allele CA16617288.

ClinVar aggregate classification (germline): Likely pathogenic. Review status: criteria provided, multiple submitters, no conflicts (2 of 4 stars). 2 submissions from 2 submitters: Likely pathogenic (2). Last evaluated 2026-01-06.

Conditions:
SCN1A-related disorder. Also called: SCN1A-related disorders; SCN1A-related conditions; SCN1A-related condition.

Submissions (2):

3billion
Classification: Likely pathogenic for SCN1A-related disorder. Last evaluated: 2026-01-06. Review status: criteria provided, single submitter. Criteria: ACMG Guidelines, 2015. Collection method: clinical testing. Allele origin: germline. Affected: yes.
Comment: The variant is not observed in the gnomAD v4.1.0 dataset. Predicted Consequence/Location: Missense variant In silico tool predictions suggest damaging effect of the variant on gene or gene product [REVEL: 0.89 (>=0.6, sensitivity 0.68 and specificity 0.92); 3Cnet: 0.99 (> 0.75, sensitivity 0.96 and precision 0.92)]. The same nucleotide change resulting in the same amino acid change has been previously reported to be associated with SCN1A-related disorder (ClinVar ID: VCV000418709). Different missense changes at the same codon (p.Ser1471Cys, p.Ser1471Phe) have been reported as pathogenic/likely pathogenic with strong evidence (ClinVar ID: VCV000189976, VCV002501293 /PMID: 26096185, 35663268). Therefore, this variant is classified as Likely pathogenic according to the recommendation of ACMG/AMP guideline.

GeneDx
Classification: Likely pathogenic. Last evaluated: 2015-10-22. Review status: criteria provided, single submitter. Criteria: GeneDx Variant Classification (06012015). Collection method: clinical testing. Allele origin: germline. Affected: yes.
Comment: The S1471Y variant has not been published as a pathogenic variant, nor has it been reported as a benign polymorphism to our knowledge. It was not observed in approximately 6,500 individuals of European and African American ancestry in the NHLBI Exome Sequencing Project, indicating it is not a common benign variant in these populations. The S1471Y variant is a semi-conservative amino acid substitution, which may impact secondary protein structure as these residues differ in some properties. In silico analysis predicts this variant is probably damaging to the protein structure/function. Additionally, multiple missense variants in nearby residues have been reported in the Human Gene Mutation Database in association with SCN1A-related disorders (Stenson et al., 2014), supporting the functional importance of this region of the protein. This substitution occurs at a position that is conserved in mammals predicted to be within the transmembrane segment S6 of the third homologous domain of the SCN1A protein; however this position is not conserved in more distantly related species. Therefore, based on the currently available information, it is unclear whether this variant is a pathogenic variant or a rare benign variant.

Literature cited by the submitters: PubMed 26096185 (cited by 3billion).